The following is an entry in ClinVar:

NM_182914.3(SYNE2):c.1919A>G (p.Asn640Ser)

Gene: SYNE2 (spectrin repeat containing nuclear envelope protein 2; plus strand). Cytogenetic location: 14q23.2.
Variant type: single nucleotide variant.
Coding change: c.1919A>G on transcript NM_182914.3 (MANE Select); coding-DNA position 1919, A replaced by G.
Protein change: p.Asn640Ser; replaces asparagine 640 with serine.
Molecular consequence: missense variant.
Genome position (GRCh38, 1-based): chr14:63,982,712, A>G. VCF-style: chr14-63982712-A-G. GRCh37 (hg19) VCF-style: chr14-64449430-A-G.
Other names: c.1919A>G, p.Asn640Ser (NM_015180.6); short protein forms N640S.
Identifiers: ClinVar variation 999051 (VCV000999051.9), dbSNP rs111890751, ClinGen allele CA7219549.

ClinVar aggregate classification (germline): Uncertain significance. Review status: criteria provided, multiple submitters, no conflicts (2 of 4 stars). 2 submissions from 2 submitters: Uncertain significance (2). Last evaluated 2026-01-13.

Conditions:
Emery-Dreifuss muscular dystrophy 5, autosomal dominant (EDMD5). Also called: EMERY-DREIFUSS MUSCULAR DYSTROPHY 5. Identifiers: Orphanet 261, MedGen C2751805, MONDO:0013072, OMIM 612999.

Allele frequency attached by ClinVar (database versions not stated): ExAC 0.00002; gnomAD exomes 0.00002; TOPMed 0.00003; gnomAD 0.00004 and 0.00005; ESP Exome Variant Server 0.00008.
gnomAD v4.1: 52 of 1,614,144 alleles (0.0032%); highest among the groups gnomAD compares: African/African-American, 0.028%; no homozygotes.

Submissions (2):

Women's Health and Genetics/Laboratory Corporation of America, LabCorp
Classification: Uncertain significance. Last evaluated: 2026-01-13. Review status: criteria provided, single submitter. Criteria: LabCorp Variant Classification Summary - May 2015. Collection method: clinical testing. Allele origin: germline.
Comment: Variant summary: SYNE2 c.1919A>G (p.Asn640Ser) results in a conservative amino acid change in the encoded protein sequence. Algorithms developed to predict the effect of missense changes on protein structure and function all suggest that this variant is likely to be tolerated. The variant allele was found at a frequency of 2e-05 in 249522 control chromosomes. The available data on variant occurrences in the general population are insufficient to allow any conclusion about variant significance. To our knowledge, no occurrence of c.1919A>G in individuals affected with SYNE2-related conditions and no experimental evidence demonstrating its impact on protein function have been reported. ClinVar contains an entry for this variant (Variation ID: 999051). Based on the evidence outlined above, the variant was classified as uncertain significance.

Labcorp Genetics (formerly Invitae), Labcorp
Classification: Uncertain significance for Emery-Dreifuss muscular dystrophy 5, autosomal dominant. Last evaluated: 2025-09-28. Review status: criteria provided, single submitter. Criteria: Invitae Variant Classification Sherloc (09022015). Collection method: clinical testing. Allele origin: germline.
Comment: This sequence change replaces asparagine, which is neutral and polar, with serine, which is neutral and polar, at codon 640 of the SYNE2 protein (p.Asn640Ser). This variant is present in population databases (rs111890751, gnomAD 0.02%). This variant has not been reported in the literature in individuals affected with SYNE2-related conditions. ClinVar contains an entry for this variant (Variation ID: 999051). An algorithm developed to predict the effect of missense changes on protein structure and function outputs the following: PolyPhen-2: "Benign". The serine amino acid residue is found in multiple mammalian species, which suggests that this missense change does not adversely affect protein function. In summary, the available evidence is currently insufficient to determine the role of this variant in disease. Therefore, it has been classified as a Variant of Uncertain Significance.